The following is an entry in ClinVar:

NM_001242.5(CD27):c.200C>G (p.Pro67Arg)

Genes: CD27 (CD27 molecule; plus strand), CD27-AS1 (CD27 antisense RNA 1; minus strand). Cytogenetic location: 12p13.31.
Variant type: single nucleotide variant.
Coding change: c.200C>G on transcript NM_001242.5 (MANE Select); coding-DNA position 200, C replaced by G.
Protein change: p.Pro67Arg; replaces proline 67 with arginine.
Molecular consequence: missense variant.
Genome position (GRCh38, 1-based): chr12:6,445,487, C>G. VCF-style: chr12-6445487-C-G. GRCh37 (hg19) VCF-style: chr12-6554653-C-G.
Other names: short protein forms P67R.
Identifiers: ClinVar variation 1060181 (VCV001060181.7), dbSNP rs748647585, ClinGen allele CA383547090.

ClinVar aggregate classification (germline): Uncertain significance (1 of 4 stars; one submission).

Conditions:
Lymphoproliferative syndrome 2 (LPFS2). Also called: CD27 DEFICIENCY; Combined immunodeficiency due to CD27 deficiency. Identifiers: Orphanet 238505, MedGen C3554540, MONDO:0014054, OMIM 615122.

Submission:

Labcorp Genetics (formerly Invitae), Labcorp
Classification: Uncertain significance for Lymphoproliferative syndrome 2. Last evaluated: 2020-09-08. Review status: criteria provided, single submitter. Criteria: Invitae Variant Classification Sherloc (09022015). Collection method: clinical testing. Allele origin: germline.
Comment: This sequence change replaces proline with arginine at codon 67 of the CD27 protein (p.Pro67Arg). The proline residue is highly conserved and there is a moderate physicochemical difference between proline and arginine. This variant is not present in population databases (ExAC no frequency). This variant has not been reported in the literature in individuals with CD27-related conditions. Algorithms developed to predict the effect of missense changes on protein structure and function (SIFT, PolyPhen-2, Align-GVGD) all suggest that this variant is likely to be disruptive, but these predictions have not been confirmed by published functional studies and their clinical significance is uncertain. In summary, the available evidence is currently insufficient to determine the role of this variant in disease. Therefore, it has been classified as a Variant of Uncertain Significance.